The following is an entry in ClinVar:

NM_005068.3(SIM1):c.616C>A (p.Gln206Lys)

Gene: SIM1 (SIM bHLH transcription factor 1; minus strand). Cytogenetic location: 6q16.3.
Variant type: single nucleotide variant.
Coding change: c.616C>A on transcript NM_005068.3 (MANE Select); coding-DNA position 616, C replaced by A.
Protein change: p.Gln206Lys; replaces glutamine 206 with lysine.
Molecular consequence: missense variant.
Genome position (GRCh38, 1-based): chr6:100,448,606, G>T on the plus strand (C>A on the coding strand, the complement: SIM1 is on the minus strand). VCF-style: chr6-100448606-G-T. GRCh37 (hg19) VCF-style: chr6-100896482-G-T.
Other names: c.616C>A (NM_005068.2); c.616C>A, p.Gln206Lys (NM_001374769.1); short protein forms Q206K.
Identifiers: ClinVar variation 1448548 (VCV001448548.9), dbSNP rs757280640, ClinGen allele CA3937254.

ClinVar aggregate classification (germline): Uncertain significance. Review status: criteria provided, single submitter (1 of 4 stars). 2 submissions from 2 submitters: Uncertain significance (1). 1 of the submissions does not count toward it. Last evaluated 2022-02-01.

Conditions:
SIM1-related disorder. Also called: SIM1-related condition; SIM1-related disorders.

Allele frequency attached by ClinVar (database versions not stated): gnomAD 0.00001 and 0.00002; gnomAD exomes 0.00001 and 0.00004; ExAC 0.00002; TOPMed 0.00006.
gnomAD v4.1: 24 of 1,613,964 alleles (0.0015%); highest among the groups gnomAD compares: Middle Eastern, 0.016%; no homozygotes.

Submissions (2):

Labcorp Genetics (formerly Invitae), Labcorp
Classification: Uncertain significance. Last evaluated: 2022-02-01. Review status: criteria provided, single submitter. Criteria: Invitae Variant Classification Sherloc (09022015). Collection method: clinical testing. Allele origin: germline.
Comment: This variant is present in population databases (rs757280640, gnomAD 0.02%). In summary, the available evidence is currently insufficient to determine the role of this variant in disease. Therefore, it has been classified as a Variant of Uncertain Significance. Algorithms developed to predict the effect of missense changes on protein structure and function are either unavailable or do not agree on the potential impact of this missense change (SIFT: "Deleterious"; PolyPhen-2: "Possibly Damaging"; Align-GVGD: "Class C0"). This missense change has been observed in individual(s) with obesity (PMID: 30926952). It has also been observed to segregate with disease in related individuals. This sequence change replaces glutamine, which is neutral and polar, with lysine, which is basic and polar, at codon 206 of the SIM1 protein (p.Gln206Lys).

PreventionGenetics, part of Exact Sciences
Classification: Uncertain significance for SIM1-related condition. Last evaluated: 2024-04-03. Review status: no assertion criteria provided. Collection method: clinical testing. Allele origin: germline. Not counted in ClinVar's aggregate classification.
Comment: The SIM1 c.616C>A variant is predicted to result in the amino acid substitution p.Gln206Lys. This variant was reported in two siblings with early onset obesity (Serra-Juhé et al 2019. PubMed ID: 30926952). This variant is reported in 0.020% of alleles in individuals of Latino descent in gnomAD. At this time, the clinical significance of this variant is uncertain due to the absence of conclusive functional and genetic evidence.

Literature cited by the submitters: PubMed 30926952 (cited by Labcorp Genetics (formerly Invitae), Labcorp).